The following is an entry in ClinVar:

ClinVar aggregate classification (germline): Uncertain significance (1 of 4 stars; one submission).

Submission:

Dasa
Classification: Uncertain significance. Last evaluated: 2026-03-12. Review status: criteria provided, single submitter. Criteria: DASA Assertion Criteria. Collection method: clinical testing. Allele origin: germline.
Comment: NM_001904.4(CTNNB1):c.1544G>A (p.Arg515Gln) is a missense variant that results in the substitution of arginine with glutamine. This variant is absent from population databases. The currently available literature and clinical evidence are not sufficient to establish a definitive association between this variant and the reported condition. Therefore, this variant is classified as a variant of uncertain significance.

NM_001904.4(CTNNB1):c.1544G>A (p.Arg515Gln)

Genes: CTNNB1 (catenin beta 1; plus strand), LOC126806659 (BRD4-independent group 4 enhancer GRCh37_chr3:41274918-41276117; plus strand). Cytogenetic location: 3p22.1.
Variant type: single nucleotide variant.
Coding change: c.1544G>A on transcript NM_001904.4 (MANE Select); coding-DNA position 1544, G replaced by A.
Protein change: p.Arg515Gln; replaces arginine 515 with glutamine.
Molecular consequence: missense variant.
Genome position (GRCh38, 1-based): chr3:41,234,158, G>A. VCF-style: chr3-41234158-G-A. GRCh37 (hg19) VCF-style: chr3-41275649-G-A.
Other names: c.1544G>A, p.Arg515Gln (NM_001098209.2, NM_001098210.2, NM_001438871.1 and 4 more transcripts); c.1523G>A, p.Arg508Gln (NM_001330729.2); short protein forms R508Q, R515Q.
Identifiers: ClinVar variation 4885454 (VCV004885454.2).